The following is an entry in ClinVar:

NM_015662.3(IFT172):c.4484A>G (p.Asn1495Ser)

Gene: IFT172 (intraflagellar transport 172; minus strand). Cytogenetic location: 2p23.3.
Variant type: single nucleotide variant.
Coding change: c.4484A>G on transcript NM_015662.3 (MANE Select); coding-DNA position 4484, A replaced by G.
Protein change: p.Asn1495Ser; replaces asparagine 1495 with serine.
Molecular consequence: missense variant.
Genome position (GRCh38, 1-based): chr2:27,447,867, T>C on the plus strand (A>G on the coding strand, the complement: IFT172 is on the minus strand). VCF-style: chr2-27447867-T-C. GRCh37 (hg19) VCF-style: chr2-27670734-T-C.
Other names: c.4484A>G (NM_015662.1, NM_015662.2); short protein forms N1495S.
Identifiers: ClinVar variation 1406962 (VCV001406962.6), dbSNP rs760535770, ClinGen allele CA1579597.

ClinVar aggregate classification (germline): Uncertain significance. Review status: criteria provided, multiple submitters, no conflicts (2 of 4 stars). 3 submissions from 3 submitters: Uncertain significance (3). Last evaluated 2026-06-22.

Conditions:
Inborn genetic diseases. Identifiers: MedGen C0950123, MeSH D030342.
IFT172-related disorder. Also called: IFT172-related disorders; IFT172-related condition.
Short-rib thoracic dysplasia 10 with or without polydactyly (SRTD10). Identifiers: Orphanet 474, MedGen C3810175, MONDO:0014284, OMIM 615630.
Retinitis pigmentosa 71 (RP71). Identifiers: Orphanet 791, MedGen C4225342, MONDO:0014618, OMIM 616394.

Allele frequency attached by ClinVar (database versions not stated): TOPMed below 0.00001; ExAC 0.00002; gnomAD exomes 0.00002.

Submissions (3):

PreventionGenetics, part of Exact Sciences
Classification: Uncertain significance for IFT172-related condition. Last evaluated: 2026-06-22. Review status: criteria provided, single submitter. Criteria: ACMG Guidelines, 2015. Collection method: clinical testing. Allele origin: germline.
Comment: The IFT172 c.4484A>G variant is predicted to result in the amino acid substitution p.Asn1495Ser. To our knowledge, this variant has not been reported in the literature. This variant is reported in 0.030% of alleles in individuals of Ashkenazi Jewish descent in gnomAD. At this time, the clinical significance of this variant is uncertain due to the absence of conclusive functional and genetic evidence.

Labcorp Genetics (formerly Invitae), Labcorp
Classification: Uncertain significance for Retinitis pigmentosa 71; Short-rib thoracic dysplasia 10 with or without polydactyly. Last evaluated: 2025-03-17. Review status: criteria provided, single submitter. Criteria: Invitae Variant Classification Sherloc (09022015). Collection method: clinical testing. Allele origin: germline.
Comment: This sequence change replaces asparagine, which is neutral and polar, with serine, which is neutral and polar, at codon 1495 of the IFT172 protein (p.Asn1495Ser). This variant is present in population databases (rs760535770, gnomAD 0.03%). This variant has not been reported in the literature in individuals affected with IFT172-related conditions. ClinVar contains an entry for this variant (Variation ID: 1406962). Invitae Evidence Modeling of protein sequence and biophysical properties (such as structural, functional, and spatial information, amino acid conservation, physicochemical variation, residue mobility, and thermodynamic stability) indicates that this missense variant is not expected to disrupt IFT172 protein function with a negative predictive value of 95%. In summary, the available evidence is currently insufficient to determine the role of this variant in disease. Therefore, it has been classified as a Variant of Uncertain Significance.

Ambry Genetics
Classification: Uncertain significance for Inborn genetic diseases. Last evaluated: 2024-06-04. Review status: criteria provided, single submitter. Criteria: Ambry Variant Classification Scheme 2023. Collection method: clinical testing. Allele origin: germline.